The following is an entry in ClinVar:

ClinVar aggregate classification (germline): Uncertain significance (1 of 4 stars; one submission).

Conditions:
Familial intrahepatic cholestasis. Identifiers: Orphanet 284385, MedGen CN296401, MONDO:0017290.

Submission:

Genomenon, Inc
Classification: Uncertain significance for Familial intrahepatic cholestasis. Last evaluated: 2026-04-14. Review status: criteria provided, single submitter. Criteria: Genomenon Sequence Variant Interpretation Standards - Updated. Collection method: curation. Allele origin: germline. Affected: no.
Comment: ATP8B1 p.Asn338Lys (c.1014C>G) is a missense variant that changes the amino acid at residue 338 from Asparagine to Lysine. This variant has been reported in the published literature (PMID:24627769). It is absent or not present at a significant frequency in gnomAD. In conclusion, we classify ATP8B1 p.Asn338Lys (c.1014C>G) as a variant of uncertain significance.

Literature cited by the submitters: PubMed 24627769.

NM_001374385.1(ATP8B1):c.1014C>G (p.Asn338Lys)

Genes: ATP8B1 (ATPase phospholipid transporting 8B1; minus strand), LOC126862761 (CDK7 strongly-dependent group 2 enhancer GRCh37_chr18:55360919-55362118; plus strand). Cytogenetic location: 18q21.31.
Variant type: single nucleotide variant.
Coding change: c.1014C>G on transcript NM_001374385.1 (MANE Select); coding-DNA position 1014, C replaced by G.
Protein change: p.Asn338Lys; replaces asparagine 338 with lysine.
Molecular consequence: missense variant.
Genome position (GRCh38, 1-based): chr18:57,694,597, G>C on the plus strand (C>G on the coding strand, the complement: ATP8B1 is on the minus strand). VCF-style: chr18-57694597-G-C. GRCh37 (hg19) VCF-style: chr18-55361829-G-C.
Other names: c.864C>G, p.Asn288Lys (NM_001374386.1); c.1014C>G, p.Asn338Lys (NM_005603.6); short protein forms N288K, N338K.
Identifiers: ClinVar variation 4846260 (VCV004846260.1).
Genomic context (GRCh38, chr18:57,694,597, plus strand): 5'-GACAGCAATCTAGATGAGAGATCTACTGAGATGAAAAATAAATACCGTGTAAACCATGTA[G>C]TTCATCAAGTAATCAATTTTAGTTCTTTTAAATCTGGTTTTCCCACTATTCTTCATTATT-3'
Protein context (NP_001361314.1, residues 328-348): FKRTKIDYLM[Asn338Lys]YMVYTIFVVL